The following is an entry in ClinVar:

ClinVar aggregate classification (germline): Uncertain significance (1 of 4 stars; one submission).

Conditions:
Dystonia 12 (DYT12). Also called: DYT-ATP1A3; Rapid-Onset Dystonia-Parkinsonism (RDP). Identifiers: Orphanet 71517, MedGen C1868681, MONDO:0007496, OMIM 128235.

gnomAD v4.1: 5 of 1,613,886 alleles (0.00031%); highest among the groups gnomAD compares: Non-Finnish European, 0.00042%; no homozygotes.

Submission:

Labcorp Genetics (formerly Invitae), Labcorp
Classification: Uncertain significance for Dystonia 12. Last evaluated: 2023-01-08. Review status: criteria provided, single submitter. Criteria: Invitae Variant Classification Sherloc (09022015). Collection method: clinical testing. Allele origin: germline.
Comment: In summary, the available evidence is currently insufficient to determine the role of this variant in disease. Therefore, it has been classified as a Variant of Uncertain Significance. Advanced modeling of protein sequence and biophysical properties (such as structural, functional, and spatial information, amino acid conservation, physicochemical variation, residue mobility, and thermodynamic stability) performed at Invitae indicates that this missense variant is expected to disrupt ATP1A3 protein function. This variant has not been reported in the literature in individuals affected with ATP1A3-related conditions. This variant is not present in population databases (gnomAD no frequency). This sequence change replaces glycine, which is neutral and non-polar, with serine, which is neutral and polar, at codon 287 of the ATP1A3 protein (p.Gly287Ser).

NM_152296.5(ATP1A3):c.859G>A (p.Gly287Ser)

Gene: ATP1A3 (ATPase Na+/K+ transporting subunit alpha 3; minus strand). Cytogenetic location: 19q13.2.
Variant type: single nucleotide variant.
Coding change: c.859G>A on transcript NM_152296.5 (MANE Select); coding-DNA position 859, G replaced by A.
Protein change: p.Gly287Ser; replaces glycine 287 with serine.
Molecular consequence: missense variant.
Genome position (GRCh38, 1-based): chr19:41,985,052, C>T on the plus strand (G>A on the coding strand, the complement: ATP1A3 is on the minus strand). VCF-style: chr19-41985052-C-T. GRCh37 (hg19) VCF-style: chr19-42489204-C-T.
Other names: c.892G>A, p.Gly298Ser (NM_001256213.2); c.898G>A, p.Gly300Ser (NM_001256214.2); short protein forms G287S, G300S, G298S.
Identifiers: ClinVar variation 2712224 (VCV002712224.3), dbSNP rs1279680384, ClinGen allele CA406052746.